The following is an entry in ClinVar:

NM_001136193.2(FASTKD2):c.1207C>G (p.Leu403Val)

Gene: FASTKD2 (FAST kinase domains 2; plus strand). Cytogenetic location: 2q33.3.
Variant type: single nucleotide variant.
Coding change: c.1207C>G on transcript NM_001136193.2 (MANE Select); coding-DNA position 1207, C replaced by G.
Protein change: p.Leu403Val; replaces leucine 403 with valine.
Molecular consequence: missense variant.
Genome position (GRCh38, 1-based): chr2:206,772,273, C>G. VCF-style: chr2-206772273-C-G. GRCh37 (hg19) VCF-style: chr2-207636997-C-G.
Other names: c.1207C>G, p.Leu403Val (NM_001136194.2, NM_014929.4); c.1207C>G (NM_014929.3); short protein forms L403V.
Identifiers: ClinVar variation 2050822 (VCV002050822.5), dbSNP rs781630523, ClinGen allele CA2075090.

ClinVar aggregate classification (germline): Conflicting classifications of pathogenicity. Review status: criteria provided, conflicting classifications (1 of 4 stars). 2 submissions from 2 submitters: Uncertain significance (1); Likely benign (1). Last evaluated 2025-11-03.

Allele frequency attached by ClinVar (database versions not stated): gnomAD 0.00005; TOPMed 0.00011; gnomAD exomes 0.00015; ExAC 0.00018.
gnomAD v4.1: 99 of 1,613,834 alleles (0.0061%); highest among the groups gnomAD compares: Admixed American, 0.16%; no homozygotes.

Submissions (2):

Labcorp Genetics (formerly Invitae), Labcorp
Classification: Likely benign. Last evaluated: 2025-11-03. Review status: criteria provided, single submitter. Criteria: Invitae Variant Classification Sherloc (09022015). Collection method: clinical testing. Allele origin: germline.

GeneDx
Classification: Uncertain significance. Last evaluated: 2023-05-24. Review status: criteria provided, single submitter. Criteria: GeneDx Variant Classification Process June 2021. Collection method: clinical testing. Allele origin: germline. Affected: yes.
Comment: In silico analysis supports that this missense variant does not alter protein structure/function; Has not been previously published as pathogenic or benign to our knowledge